The following is an entry in ClinVar:

NM_153676.4(USH1C):c.1188A>G (p.Pro396=)

Gene: USH1C (USH1 protein network component harmonin; minus strand). Cytogenetic location: 11p15.1.
Variant type: single nucleotide variant.
Coding change: c.1188A>G on transcript NM_153676.4 (MANE Select); coding-DNA position 1188, A replaced by G.
Protein change: p.Pro396=; no amino-acid change (proline 396 retained).
Molecular consequence: synonymous variant. On other transcripts: non-coding transcript variant (1).
Genome position (GRCh38, 1-based): chr11:17,520,892, T>C on the plus strand (A>G on the coding strand, the complement: USH1C is on the minus strand). VCF-style: chr11-17520892-T-C. GRCh37 (hg19) VCF-style: chr11-17542439-T-C.
Other names: p.Pro396=; c.1131A>G, p.Pro377= (NM_001297764.2); c.1188A>G, p.Pro396= (NM_005709.4).
Identifiers: ClinVar variation 47976 (VCV000047976.30), dbSNP rs2240487, ClinGen allele CA142292.

ClinVar aggregate classification (germline): Benign. Review status: criteria provided, multiple submitters, no conflicts (2 of 4 stars). 12 submissions from 11 submitters: Benign (9). 3 of the submissions do not count toward it. Last evaluated 2026-02-04.

Conditions:
Autosomal recessive nonsyndromic hearing loss 18A. Also called: DEAFNESS, AUTOSOMAL RECESSIVE 18; Deafness, autosomal recessive 18A. Identifiers: Orphanet 90636, MedGen C1865870, MONDO:0011192, OMIM 602092.
Usher syndrome type 1C. Also called: USHER SYNDROME, TYPE I, ACADIAN VARIETY. Identifiers: Orphanet 231169, Orphanet 886, MedGen C1848604, MONDO:0010171, OMIM 276904.

Allele frequency attached by ClinVar (database versions not stated): ESP Exome Variant Server 0.50400; 1000 Genomes Project 30x 0.51202; TOPMed 0.51588; gnomAD 0.51629 and 0.52010; 1000 Genomes Project 0.51637; ExAC 0.56887; gnomAD exomes 0.57615.
gnomAD v4.1: 927,980 of 1,613,522 alleles (58%); highest among the groups gnomAD compares: East Asian, 67%; 270,528 homozygotes.

Submissions (12):

Labcorp Genetics (formerly Invitae), Labcorp
Classification: Benign. Last evaluated: 2026-02-04. Review status: criteria provided, single submitter. Criteria: Invitae Variant Classification Sherloc (09022015). Collection method: clinical testing. Allele origin: germline.

Genome-Nilou Lab
Classification: Benign for Usher syndrome type 1C. Last evaluated: 2021-07-10. Review status: criteria provided, single submitter. Criteria: ACMG Guidelines, 2015. Collection method: clinical testing. Allele origin: germline. Affected: no.

Genome-Nilou Lab
Classification: Benign for Autosomal recessive nonsyndromic hearing loss 18A. Last evaluated: 2021-07-10. Review status: criteria provided, single submitter. Criteria: ACMG Guidelines, 2015. Collection method: clinical testing. Allele origin: germline. Affected: no.

Mayo Clinic Laboratories, Mayo Clinic
Classification: Benign. Last evaluated: 2020-07-02. Review status: criteria provided, single submitter. Criteria: ACMG Guidelines, 2015. Collection method: clinical testing. Allele origin: germline. Observed: 164 variant alleles.

Illumina Laboratory Services, Illumina
Classification: Benign for Usher syndrome type 1C. Last evaluated: 2018-01-12. Review status: criteria provided, single submitter. Criteria: ICSL Variant Classification Criteria 13 December 2019. Collection method: clinical testing. Allele origin: germline.
Comment: This variant was observed in the ICSL laboratory as part of a predisposition screen in an ostensibly healthy population. It had not been previously curated by ICSL or reported in the Human Gene Mutation Database (HGMD: prior to June 1st, 2018), and was therefore a candidate for classification through an automated scoring system. Utilizing variant allele frequency, disease prevalence and penetrance estimates, and inheritance mode, an automated score was calculated to assess if this variant is too frequent to cause the disease. Based on the score and internal cut-off values, a variant classified as benign is not then subjected to further curation. The score for this variant resulted in a classification of benign for this disease.

GeneDx
Classification: Benign. Last evaluated: 2015-03-03. Review status: criteria provided, single submitter. Criteria: GeneDx Variant Classification Process June 2021. Collection method: clinical testing. Allele origin: germline. Affected: yes.

Laboratory for Molecular Medicine, Mass General Brigham Personalized Medicine
Classification: Benign. Last evaluated: 2009-06-24. Review status: criteria provided, single submitter. Criteria: LMM Criteria. Collection method: clinical testing. Allele origin: germline. Observed: 1,747 variant alleles.

Breakthrough Genomics
Classification: Benign. Review status: criteria provided, single submitter. Criteria: ACMG Guidelines, 2015. Collection method: not provided. Allele origin: germline. Inheritance: Autosomal recessive inheritance. Affected: yes.

PreventionGenetics, part of Exact Sciences
Classification: Benign. Review status: criteria provided, single submitter. Criteria: ACMG Guidelines, 2015. Collection method: clinical testing. Allele origin: germline.

Natera, Inc.
Classification: Benign for Usher syndrome type 1C. Last evaluated: 2020-09-16. Review status: no assertion criteria provided. Collection method: clinical testing. Allele origin: germline. Not counted in ClinVar's aggregate classification.

Diagnostic Laboratory, Department of Genetics, University Medical Center Groningen
Classification: Benign. Review status: no assertion criteria provided. Collection method: clinical testing. Allele origin: germline. Affected: yes. Study: VKGL Data-share Consensus. Not counted in ClinVar's aggregate classification.

Joint Genome Diagnostic Labs from Nijmegen and Maastricht, Radboudumc and MUMC+
Classification: Benign. Review status: no assertion criteria provided. Collection method: clinical testing. Allele origin: germline. Affected: yes. Study: VKGL Data-share Consensus. Not counted in ClinVar's aggregate classification.